The following is an entry in ClinVar:

NM_203447.4(DOCK8):c.3869C>T (p.Ala1290Val)

Gene: DOCK8 (dedicator of cytokinesis 8; plus strand). Cytogenetic location: 9p24.3.
Variant type: single nucleotide variant.
Coding change: c.3869C>T on transcript NM_203447.4 (MANE Select); coding-DNA position 3869, C replaced by T.
Protein change: p.Ala1290Val; replaces alanine 1290 with valine.
Molecular consequence: missense variant.
Genome position (GRCh38, 1-based): chr9:420,429, C>T. VCF-style: chr9-420429-C-T. GRCh37 (hg19) VCF-style: chr9-420429-C-T.
Other names: c.3569C>T, p.Ala1190Val (NM_001190458.2); c.3665C>T, p.Ala1222Val (NM_001193536.2); short protein forms A1190V, A1290V, A1222V.
Identifiers: ClinVar variation 854543 (VCV000854543.11), dbSNP rs138180879, ClinGen allele CA4958865.

ClinVar aggregate classification (germline): Uncertain significance. Review status: criteria provided, multiple submitters, no conflicts (2 of 4 stars). 3 submissions from 3 submitters: Uncertain significance (3). Last evaluated 2025-12-29.

Conditions:
Inborn genetic diseases. Identifiers: MedGen C0950123, MeSH D030342.
Combined immunodeficiency due to DOCK8 deficiency (HIES2). Also called: HYPER-IgE RECURRENT INFECTION SYNDROME 2, AUTOSOMAL RECESSIVE; Hyper-IgE recurrent infection syndrome, autosomal recessive; HYPER-IgE SYNDROME 2, AUTOSOMAL RECESSIVE, WITH RECURRENT INFECTIONS; HIES autosomal recessive; DOCK8 Deficiency. Identifiers: Orphanet 217390, MedGen C4722305, MONDO:0009478, OMIM 243700.

Allele frequency attached by ClinVar (database versions not stated): gnomAD 0.00003 and 0.00004; gnomAD exomes 0.00003 and 0.00004; TOPMed 0.00003; ExAC 0.00004; ESP Exome Variant Server 0.00008.
gnomAD v4.1: 68 of 1,614,032 alleles (0.0042%); highest among the groups gnomAD compares: African/African-American, 0.0067%; no homozygotes.

Submissions (3):

Labcorp Genetics (formerly Invitae), Labcorp
Classification: Uncertain significance for Combined immunodeficiency due to DOCK8 deficiency. Last evaluated: 2025-12-29. Review status: criteria provided, single submitter. Criteria: Invitae Variant Classification Sherloc (09022015). Collection method: clinical testing. Allele origin: germline.
Comment: This sequence change replaces alanine, which is neutral and non-polar, with valine, which is neutral and non-polar, at codon 1290 of the DOCK8 protein (p.Ala1290Val). This variant is present in population databases (rs138180879, gnomAD 0.007%). This variant has not been reported in the literature in individuals affected with DOCK8-related conditions. ClinVar contains an entry for this variant (Variation ID: 854543). Invitae Evidence Modeling of protein sequence and biophysical properties (such as structural, functional, and spatial information, amino acid conservation, physicochemical variation, residue mobility, and thermodynamic stability) indicates that this missense variant is not expected to disrupt DOCK8 protein function with a negative predictive value of 80%. In summary, the available evidence is currently insufficient to determine the role of this variant in disease. Therefore, it has been classified as a Variant of Uncertain Significance.

Ambry Genetics
Classification: Uncertain significance for Inborn genetic diseases. Last evaluated: 2021-07-20. Review status: criteria provided, single submitter. Criteria: Ambry Variant Classification Scheme 2023. Collection method: clinical testing. Allele origin: germline.

Blueprint Genetics
Classification: Uncertain significance. Last evaluated: 2021-06-11. Review status: criteria provided, single submitter. Criteria: ACMG Guidelines, 2015. Collection method: clinical testing. Allele origin: germline.